The following is an entry in ClinVar:

NM_000268.4(NF2):c.225C>T (p.Leu75=)

Gene: NF2 (NF2, moesin-ezrin-radixin like (MERLIN) tumor suppressor; plus strand). Cytogenetic location: 22q12.2.
Variant type: single nucleotide variant.
Coding change: c.225C>T on transcript NM_000268.4 (MANE Select); coding-DNA position 225, C replaced by T.
Protein change: p.Leu75=; no amino-acid change (leucine 75 retained).
Molecular consequence: synonymous variant. On other transcripts: 5 prime UTR variant (2), intron variant (6).
Genome position (GRCh38, 1-based): chr22:29,636,861, C>T. VCF-style: chr22-29636861-C-T. GRCh37 (hg19) VCF-style: chr22-30032850-C-T.
Other names: c.111C>T, p.Leu37= (NM_001407053.1, NM_001407056.1); c.225C>T, p.Leu75= (NM_001407054.1, NM_001407057.1, NM_001407058.1 and 9 more transcripts); c.-416C>T (NM_001407065.1); c.-32C>T (NM_001407067.1); c.115-2229C>T (NM_181828.3, NM_001407055.1); c.115-5341C>T (NM_001407063.1, NM_181830.3, NM_001407064.1 and 1 more transcripts).
Identifiers: ClinVar variation 4843847 (VCV004843847.1).
Genomic context (GRCh38, chr22:29,636,861, plus strand): 5'-GCTCCGAGAAACCTGGTTCTTTGGACTGCAGTACACAATCAAGGACACAGTGGCCTGGCT[C>T]AAAATGGACAAGAAGGTTGGGCTAGAACTCGATGAAACTGGTGGGGCTGACGTGAGCTTT-3'
Protein context (NP_000259.1, residues 65-85): QYTIKDTVAW[Leu75=]KMDKKVLDHD

ClinVar aggregate classification (germline): Uncertain significance (1 of 4 stars; one submission).

Conditions:
Hereditary cancer-predisposing syndrome. Also called: Neoplastic Syndromes, Hereditary; Tumor predisposition; Hereditary Cancer Syndrome; Hereditary neoplastic syndrome. Identifiers: Orphanet 140162, MedGen C0027672, MeSH D009386, MONDO:0015356.

Submission:

Ambry Genetics
Classification: Uncertain significance for Hereditary cancer-predisposing syndrome. Last evaluated: 2025-12-29. Review status: criteria provided, single submitter. Criteria: Ambry Variant Classification Scheme 2023. Collection method: clinical testing. Allele origin: germline.
Comment: The c.225C>T variant (also known as p.L75L), located in coding exon 2 of the NF2 gene, results from a C to T substitution at nucleotide position 225. This nucleotide substitution does not change the leucine at codon 75. This nucleotide position is not well conserved in available vertebrate species. In silico splice site analysis for this alteration is inconclusive. Based on the available evidence, the clinical significance of this variant remains unclear.